The following is an entry in ClinVar:

ClinVar aggregate classification (germline): Uncertain significance (1 of 4 stars; one submission).

Conditions:
Long QT syndrome (LQTS). Identifiers: MedGen C0023976, MeSH D008133, MONDO:0002442. Disease mechanism: loss of function. Inheritance: Various modes of inheritance.

Allele frequency attached by ClinVar (database versions not stated): gnomAD exomes below 0.00001; gnomAD 0.00001; TOPMed 0.00001.
gnomAD v4.1: 3 of 1,613,728 alleles (0.00019%); highest among the groups gnomAD compares: African/African-American, 0.0027%; no homozygotes.

Submission:

Labcorp Genetics (formerly Invitae), Labcorp
Classification: Uncertain significance for Long QT syndrome. Last evaluated: 2023-09-29. Review status: criteria provided, single submitter. Criteria: Invitae Variant Classification Sherloc (09022015). Collection method: clinical testing. Allele origin: germline.
Comment: ClinVar contains an entry for this variant (Variation ID: 1413706). In summary, the available evidence is currently insufficient to determine the role of this variant in disease. Therefore, it has been classified as a Variant of Uncertain Significance. An algorithm developed to predict the effect of missense changes on protein structure and function (PolyPhen-2) suggests that this variant is likely to be disruptive. This variant has not been reported in the literature in individuals affected with ANK2-related conditions. This variant is present in population databases (no rsID available, gnomAD 0.007%). This sequence change replaces serine, which is neutral and polar, with proline, which is neutral and non-polar, at codon 1485 of the ANK2 protein (p.Ser1485Pro).

NM_001148.6(ANK2):c.4453T>C (p.Ser1485Pro)

Gene: ANK2 (ankyrin 2; plus strand). Cytogenetic location: 4q26.
Variant type: single nucleotide variant.
Coding change: c.4453T>C on transcript NM_001148.6 (MANE Select); coding-DNA position 4453, T replaced by C.
Protein change: p.Ser1485Pro; replaces serine 1485 with proline.
Molecular consequence: missense variant. On other transcripts: intron variant (68).
Genome position (GRCh38, 1-based): chr4:113,353,071, T>C. VCF-style: chr4-113353071-T-C. GRCh37 (hg19) VCF-style: chr4-114274227-T-C.
Other names: c.4219T>C, p.Ser1407Pro (NM_001386142.1); c.853T>C, p.Ser285Pro (NM_001386166.1); c.4594T>C, p.Ser1532Pro (NM_001386174.1); c.4570T>C, p.Ser1524Pro (NM_001386175.1); c.4411+2822T>C (NM_001386186.2, NM_001386148.2); c.4213+2822T>C (NM_001354269.3); c.4291+2822T>C (NM_001386187.2); c.4252+2822T>C (NM_001386147.1); and 35 more; short protein forms S1407P, S1485P, S1524P, S1532P, S285P.
Identifiers: ClinVar variation 1413706 (VCV001413706.8), dbSNP rs1174581645, ClinGen allele CA357914529.